The following is an entry in ClinVar:

ClinVar aggregate classification (germline): Likely benign. Review status: criteria provided, multiple submitters, no conflicts (2 of 4 stars). 3 submissions from 3 submitters: Likely benign (3). Last evaluated 2025-10-07.

Allele frequency attached by ClinVar (database versions not stated): gnomAD 0.00004; gnomAD exomes 0.00004; ExAC 0.00005; TOPMed 0.00008; ESP Exome Variant Server 0.00034.
gnomAD v4.1: 127 of 1,612,896 alleles (0.0079%); highest among the groups gnomAD compares: Middle Eastern, 0.033%; no homozygotes.

Submissions (3):

Labcorp Genetics (formerly Invitae), Labcorp
Classification: Likely benign. Last evaluated: 2025-10-07. Review status: criteria provided, single submitter. Criteria: Invitae Variant Classification Sherloc (09022015). Collection method: clinical testing. Allele origin: germline.

Blueprint Genetics
Classification: Likely benign. Last evaluated: 2024-11-07. Review status: criteria provided, single submitter. Criteria: ACMG Guidelines, 2015. Collection method: clinical testing. Allele origin: germline.

Laboratory for Molecular Medicine, Mass General Brigham Personalized Medicine
Classification: Likely benign. Last evaluated: 2016-06-09. Review status: criteria provided, single submitter. Criteria: LMM Criteria. Collection method: clinical testing. Allele origin: germline. Observed: 1 variant allele.
Comment: p.Thr4963Thr in Exon 73 of GPR98: This variant is not expected to have clinical significance because it does not alter an amino acid residue, is not located wit hin the splice consensus sequence, and has been identified in 4/65446 of Europea n chromosomes, 1/9530 of African chromosomes, and 1/8198 of East Asian chromosom es by the Exome Aggregation Consortium (ExAC; db SNP rs370103595).

NM_032119.4(ADGRV1):c.14889G>A (p.Thr4963=)

Gene: ADGRV1 (adhesion G protein-coupled receptor V1; plus strand). Cytogenetic location: 5q14.3.
Variant type: single nucleotide variant.
Coding change: c.14889G>A on transcript NM_032119.4 (MANE Select); coding-DNA position 14889, G replaced by A.
Protein change: p.Thr4963=; no amino-acid change (threonine 4963 retained).
Molecular consequence: synonymous variant. On other transcripts: non-coding transcript variant (1).
Genome position (GRCh38, 1-based): chr5:90,807,654, G>A. VCF-style: chr5-90807654-G-A. GRCh37 (hg19) VCF-style: chr5-90103471-G-A.
Identifiers: ClinVar variation 504585 (VCV000504585.13), dbSNP rs370103595, ClinGen allele CA3341829.
Genomic context (GRCh38, chr5:90,807,654, plus strand): 5'-TCTTTCAGGGAGCCTTTCATTTTCCCACGGTGAACAAAGGAAAGGAGTTTTCCTGTGGAC[G>A]TTTCCTAGCCCTGGTTGGCCAGAGGCCTTTGTTCTTCACCTATCAGGAGTGCAGAGCAGT-3'
Protein context (NP_115495.3, residues 4953-4973): GEQRKGVFLW[Thr4963=]FPSPGWPEAF